The following is an entry in ClinVar:

ClinVar aggregate classification (germline): Uncertain significance (1 of 4 stars; one submission).

Allele frequency attached by ClinVar (database versions not stated): gnomAD exomes below 0.00001 and 0.00002; TOPMed below 0.00001; ExAC 0.00003.
gnomAD v4.1: 7 of 1,601,700 alleles (0.00044%); highest among the groups gnomAD compares: Admixed American, 0.0069%; no homozygotes.

Submission:

Labcorp Genetics (formerly Invitae), Labcorp
Classification: Uncertain significance. Last evaluated: 2021-06-23. Review status: criteria provided, single submitter. Criteria: Invitae Variant Classification Sherloc (09022015). Collection method: clinical testing. Allele origin: germline.
Comment: This variant is present in population databases (rs558904902, ExAC 0.01%). This sequence change replaces isoleucine with valine at codon 369 of the TRAF3IP1 protein (p.Ile369Val). The isoleucine residue is weakly conserved and there is a small physicochemical difference between isoleucine and valine. Algorithms developed to predict the effect of missense changes on protein structure and function output the following: SIFT: "Deleterious"; PolyPhen-2: "Benign"; Align-GVGD: "Class C0". The valine amino acid residue is found in multiple mammalian species, suggesting that this missense change does not adversely affect protein function. These predictions have not been confirmed by published functional studies and their clinical significance is uncertain. In summary, the available evidence is currently insufficient to determine the role of this variant in disease. Therefore, it has been classified as a Variant of Uncertain Significance. This variant has not been reported in the literature in individuals with TRAF3IP1-related conditions.

NM_015650.4(TRAF3IP1):c.1105A>G (p.Ile369Val)

Gene: TRAF3IP1 (TRAF3 interacting protein 1; plus strand). Cytogenetic location: 2q37.3.
Variant type: single nucleotide variant.
Coding change: c.1105A>G on transcript NM_015650.4 (MANE Select); coding-DNA position 1105, A replaced by G.
Protein change: p.Ile369Val; replaces isoleucine 369 with valine.
Molecular consequence: missense variant. On other transcripts: intron variant (1).
Genome position (GRCh38, 1-based): chr2:238,338,403, A>G. VCF-style: chr2-238338403-A-G. GRCh37 (hg19) VCF-style: chr2-239247044-A-G.
Other names: c.1063+4368A>G (NM_001139490.1); short protein forms I369V.
Identifiers: ClinVar variation 1367235 (VCV001367235.6), dbSNP rs558904902, ClinGen allele CA2198281.